The following is an entry in ClinVar:

ClinVar aggregate classification (germline): Likely benign. Review status: criteria provided, multiple submitters, no conflicts (2 of 4 stars). 3 submissions from 3 submitters: Likely benign (3). Last evaluated 2025-04-24.

Conditions:
Breast-ovarian cancer, familial, susceptibility to, 2 (BROVCA2). Also called: BRCA2 Hereditary Breast and Ovarian Cancer. Identifiers: Orphanet 145, MedGen C2675520, MONDO:0012933, OMIM 612555. Disease mechanism: loss of function.
Hereditary breast ovarian cancer syndrome. Also called: BRCA1- and BRCA2-Associated Hereditary Breast and Ovarian Cancer; Hereditary breast and ovarian cancer; Hereditary breast and ovarian cancer syndrome (HBOC); Breast and ovarian cancer; Hereditary breast and/or ovarian cancer syndrome; Hereditary breast and ovarian cancer syndrome. Identifiers: Orphanet 145, MedGen C0677776, MeSH D061325, MONDO:0003582. Disease mechanism: loss of function.
Hereditary cancer-predisposing syndrome. Also called: Tumor predisposition; Hereditary Cancer Syndrome; Neoplastic Syndromes, Hereditary; Hereditary neoplastic syndrome. Identifiers: Orphanet 140162, MedGen C0027672, MeSH D009386, MONDO:0015356.

Allele frequency attached by ClinVar (database versions not stated): gnomAD exomes below 0.00001; gnomAD 0.00001; TOPMed 0.00001.
gnomAD v4.1: 5 of 1,613,872 alleles (0.00031%); highest among the groups gnomAD compares: African/African-American, 0.0027%; no homozygotes.

Submissions (3):

Labcorp Genetics (formerly Invitae), Labcorp
Classification: Likely benign for Hereditary breast ovarian cancer syndrome. Last evaluated: 2025-04-24. Review status: criteria provided, single submitter. Criteria: Invitae Variant Classification Sherloc (09022015). Collection method: clinical testing. Allele origin: germline.

All of Us Research Program, National Institutes of Health
Classification: Likely benign for Breast-ovarian cancer, familial, susceptibility to, 2. Last evaluated: 2023-07-10. Review status: criteria provided, single submitter. Criteria: ACMG Guidelines, 2015. Collection method: clinical testing. Allele origin: germline. Inheritance: Autosomal dominant inheritance. Observed: 1 variant allele, 1 heterozygote.
Comment: This study involves interpretation of variants in research participants for the purpose of population health screening. Participant phenotype was not available at the time of variant classification. Additional details can be found in publication PMID: 35346344, PMCID: PMC8962531

Ambry Genetics
Classification: Likely benign for Hereditary cancer-predisposing syndrome. Last evaluated: 2021-01-16. Review status: criteria provided, single submitter. Criteria: Ambry Variant Classification Scheme 2023. Collection method: clinical testing. Allele origin: germline.

NM_000059.4(BRCA2):c.5883T>C (p.Ser1961=)

Gene: BRCA2 (BRCA2 DNA repair associated; plus strand). Cytogenetic location: 13q13.1.
Variant type: single nucleotide variant.
Coding change: c.5883T>C on transcript NM_000059.4 (MANE Select); coding-DNA position 5883, T replaced by C.
Protein change: p.Ser1961=; no amino-acid change (serine 1961 retained).
Molecular consequence: synonymous variant.
Genome position (GRCh38, 1-based): chr13:32,340,238, T>C. VCF-style: chr13-32340238-T-C. GRCh37 (hg19) VCF-style: chr13-32914375-T-C.
Identifiers: ClinVar variation 744081 (VCV000744081.14), dbSNP rs1003470941, ClinGen allele CA247511862.